The following is an entry in ClinVar:

NM_022437.3(ABCG8):c.1957G>A (p.Gly653Ser)

Gene: ABCG8 (ATP binding cassette subfamily G member 8; plus strand). Cytogenetic location: 2p21.
Variant type: single nucleotide variant.
Coding change: c.1957G>A on transcript NM_022437.3 (MANE Select); coding-DNA position 1957, G replaced by A.
Protein change: p.Gly653Ser; replaces glycine 653 with serine.
Molecular consequence: missense variant.
Genome position (GRCh38, 1-based): chr2:43,877,848, G>A. VCF-style: chr2-43877848-G-A. GRCh37 (hg19) VCF-style: chr2-44104987-G-A.
Other names: c.1954G>A, p.Gly652Ser (NM_001357321.2); short protein forms G652S, G653S.
Identifiers: ClinVar variation 2173821 (VCV002173821.4), dbSNP rs1205128669, ClinGen allele CA346671422.

ClinVar aggregate classification (germline): Uncertain significance (1 of 4 stars; one submission).

Allele frequency attached by ClinVar (database versions not stated): TOPMed below 0.00001; gnomAD 0.00001.

Submission:

Labcorp Genetics (formerly Invitae), Labcorp
Classification: Uncertain significance. Last evaluated: 2022-02-18. Review status: criteria provided, single submitter. Criteria: Invitae Variant Classification Sherloc (09022015). Collection method: clinical testing. Allele origin: germline.
Comment: In summary, the available evidence is currently insufficient to determine the role of this variant in disease. Therefore, it has been classified as a Variant of Uncertain Significance. Algorithms developed to predict the effect of missense changes on protein structure and function output the following: SIFT: "Tolerated"; PolyPhen-2: "Benign"; Align-GVGD: "Class C0". The serine amino acid residue is found in multiple mammalian species, which suggests that this missense change does not adversely affect protein function. This variant has not been reported in the literature in individuals affected with ABCG8-related conditions. This variant is not present in population databases (gnomAD no frequency). This sequence change replaces glycine, which is neutral and non-polar, with serine, which is neutral and polar, at codon 653 of the ABCG8 protein (p.Gly653Ser).